The following is an entry in ClinVar:

ClinVar aggregate classification (germline): Likely pathogenic (1 of 4 stars; one submission).

Submission:

Labcorp Genetics (formerly Invitae), Labcorp
Classification: Likely pathogenic. Last evaluated: 2024-02-26. Review status: criteria provided, single submitter. Criteria: Invitae Variant Classification Sherloc (09022015). Collection method: clinical testing. Allele origin: germline.
Comment: This sequence change replaces glycine, which is neutral and non-polar, with valine, which is neutral and non-polar, at codon 48 of the PAX3 protein (p.Gly48Val). This variant is not present in population databases (gnomAD no frequency). This missense change has been observed in individual(s) with clinical features of autosomal dominant Waardenburg syndrome (Invitae). Advanced modeling of protein sequence and biophysical properties (such as structural, functional, and spatial information, amino acid conservation, physicochemical variation, residue mobility, and thermodynamic stability) performed at Invitae indicates that this missense variant is expected to disrupt PAX3 protein function with a positive predictive value of 95%. This variant disrupts the p.Gly48 amino acid residue in PAX3. Other variant(s) that disrupt this residue have been determined to be pathogenic (PMID: 8845842, 29407415). This suggests that this residue is clinically significant, and that variants that disrupt this residue are likely to be disease-causing. In summary, the currently available evidence indicates that the variant is pathogenic, but additional data are needed to prove that conclusively. Therefore, this variant has been classified as Likely Pathogenic.

Literature cited by the submitters: PubMed 8845842; PubMed 29407415.

NM_181458.4(PAX3):c.143G>T (p.Gly48Val)

Gene: PAX3 (paired box 3; minus strand). Cytogenetic location: 2q36.1.
Variant type: single nucleotide variant.
Coding change: c.143G>T on transcript NM_181458.4 (MANE Select); coding-DNA position 143, G replaced by T.
Protein change: p.Gly48Val; replaces glycine 48 with valine.
Molecular consequence: missense variant.
Genome position (GRCh38, 1-based): chr2:222,297,156, C>A on the plus strand (G>T on the coding strand, the complement: PAX3 is on the minus strand). VCF-style: chr2-222297156-C-A. GRCh37 (hg19) VCF-style: chr2-223161875-C-A.
Other names: c.143G>T, p.Gly48Val (NM_000438.6, NM_001127366.3, NM_013942.5 and 4 more transcripts); short protein forms G48V.
Identifiers: ClinVar variation 3643459 (VCV003643459.2).